The following is an entry in ClinVar:

ClinVar aggregate classification (germline): Uncertain significance (1 of 4 stars; one submission).

Conditions:
SEMA3C-related disorder. Also called: SEMA3C-related condition.

gnomAD v4.1: 1 of 1,586,978 alleles (0.000063%); highest among the groups gnomAD compares: Non-Finnish European, 0.000085%; no homozygotes.

Submission:

PreventionGenetics, part of Exact Sciences
Classification: Uncertain significance for SEMA3C-related condition. Last evaluated: 2025-11-19. Review status: criteria provided, single submitter. Criteria: ACMG Guidelines, 2015. Collection method: clinical testing. Allele origin: germline.
Comment: The SEMA3C c.331G>A variant is predicted to result in the amino acid substitution p.Ala111Thr. To our knowledge, this variant has not been reported in the literature or in a large population database (gnomAD), indicating this variant is rare. At this time, the clinical significance of this variant is uncertain due to the absence of conclusive functional and genetic evidence.

NM_006379.5(SEMA3C):c.277G>A (p.Ala93Thr)

Gene: SEMA3C (semaphorin 3C; minus strand). Cytogenetic location: 7q21.11.
Variant type: single nucleotide variant.
Coding change: c.277G>A on transcript NM_006379.5 (MANE Select); coding-DNA position 277, G replaced by A.
Protein change: p.Ala93Thr; replaces alanine 93 with threonine.
Molecular consequence: missense variant.
Genome position (GRCh38, 1-based): chr7:80,827,475, C>T on the plus strand (G>A on the coding strand, the complement: SEMA3C is on the minus strand). VCF-style: chr7-80827475-C-T. GRCh37 (hg19) VCF-style: chr7-80456791-C-T.
Other names: c.331G>A, p.Ala111Thr (NM_001350120.2); c.103G>A, p.Ala35Thr (NM_001350121.2); short protein forms A93T, A35T, A111T.
Identifiers: ClinVar variation 4995570 (VCV004995570.1).